The following is an entry in ClinVar:

ClinVar aggregate classification (germline): Benign/Likely benign. Review status: criteria provided, multiple submitters, no conflicts (2 of 4 stars). 5 submissions from 5 submitters: Benign (1); Likely benign (3). 1 of the submissions does not count toward it. Last evaluated 2025-06-04.

Conditions:
Inborn genetic diseases. Identifiers: MedGen C0950123, MeSH D030342.
PTPN23-related disorder. Also called: PTPN23-related condition.

Allele frequency attached by ClinVar (database versions not stated): TOPMed 0.00003; gnomAD 0.00017; gnomAD exomes 0.00070; ExAC 0.00072; 1000 Genomes Project 0.00180; 1000 Genomes Project 30x 0.00187.
gnomAD v4.1: 488 of 1,596,608 alleles (0.031%); highest among the groups gnomAD compares: South Asian, 0.52%; 7 homozygotes.

Submissions (5):

Labcorp Genetics (formerly Invitae), Labcorp
Classification: Benign. Last evaluated: 2025-06-04. Review status: criteria provided, single submitter. Criteria: Invitae Variant Classification Sherloc (09022015). Collection method: clinical testing. Allele origin: germline.

Blueprint Genetics
Classification: Likely benign. Last evaluated: 2024-10-18. Review status: criteria provided, single submitter. Criteria: ACMG Guidelines, 2015. Collection method: clinical testing. Allele origin: germline.

CeGaT Center for Human Genetics Tuebingen
Classification: Likely benign. Last evaluated: 2023-12-01. Review status: criteria provided, single submitter. Criteria: CeGaT Center For Human Genetics Tuebingen Variant Classification Criteria Version 2. Collection method: clinical testing. Allele origin: germline. Affected: yes. Observed: 1 variant allele.
Comment: PTPN23: BS2

Ambry Genetics
Classification: Likely benign for Inborn genetic diseases. Last evaluated: 2023-06-05. Review status: criteria provided, single submitter. Criteria: Ambry Variant Classification Scheme 2023. Collection method: clinical testing. Allele origin: germline.

PreventionGenetics, part of Exact Sciences
Classification: Likely benign for PTPN23-related condition. Last evaluated: 2019-04-05. Review status: no assertion criteria provided. Collection method: clinical testing. Allele origin: germline. Not counted in ClinVar's aggregate classification.
Comment: This variant is classified as likely benign based on ACMG/AMP sequence variant interpretation guidelines (Richards et al. 2015 PMID: 25741868, with internal and published modifications).

NM_015466.4(PTPN23):c.2375C>T (p.Pro792Leu)

Gene: PTPN23 (protein tyrosine phosphatase non-receptor type 23; plus strand). Cytogenetic location: 3p21.31.
Variant type: single nucleotide variant.
Coding change: c.2375C>T on transcript NM_015466.4 (MANE Select); coding-DNA position 2375, C replaced by T.
Protein change: p.Pro792Leu; replaces proline 792 with leucine.
Molecular consequence: missense variant.
Genome position (GRCh38, 1-based): chr3:47,410,173, C>T. VCF-style: chr3-47410173-C-T. GRCh37 (hg19) VCF-style: chr3-47451663-C-T.
Other names: c.2375C>T (NM_015466.2, NM_015466.3); c.1997C>T, p.Pro666Leu (NM_001304482.2); short protein forms P666L, P792L.
Identifiers: ClinVar variation 1601662 (VCV001601662.34), dbSNP rs374555949, ClinGen allele CA2366021.